The following is an entry in ClinVar:

ClinVar aggregate classification (germline): Uncertain significance (1 of 4 stars; one submission).

Conditions:
Atypical hemolytic-uremic syndrome. Identifiers: Orphanet 2134, MedGen C2931788, MONDO:0016244.
Basal laminar drusen. Also called: DRUSEN OF BRUCH MEMBRANE; DRUSEN, CUTICULAR; DRUSEN, EARLY ADULT-ONSET, GROUPED. Identifiers: Orphanet 75376, MedGen C0730295, MONDO:0007472, OMIM 126700.
Factor H deficiency (CFHD). Also called: COMPLEMENT FACTOR H DEFICIENCY; CFH DEFICIENCY. Identifiers: Orphanet 200421, MedGen C0398777, MONDO:0012350, OMIM 609814.
Age related macular degeneration 4. Identifiers: MedGen C1853147, MONDO:0012540, OMIM 610698.

Submission:

Genomenon, Inc
Classification: Uncertain significance for Basal laminar drusen; Age related macular degeneration 4; Atypical hemolytic-uremic syndrome; Factor H deficiency. Last evaluated: 2025-10-02. Review status: criteria provided, single submitter. Criteria: Genomenon Sequence Variant Interpretation Standards - Updated. Collection method: curation. Allele origin: germline. Affected: no.
Comment: CFH p.Thr1193Arg (c.3578C>G) is a missense variant that changes the amino acid at residue 1193 from Threonine to Arginine. This variant has been reported in the published literature (PMID:35836191). It is absent or not present at a significant frequency in gnomAD. In conclusion, we classify CFH p.Thr1193Arg (c.3578C>G) as a variant of uncertain significance.

Literature cited by the submitters: PubMed 35836191.

NM_000186.4(CFH):c.3578C>G (p.Thr1193Arg)

Gene: CFH (complement factor H; plus strand). Cytogenetic location: 1q31.3.
Variant type: single nucleotide variant.
Coding change: c.3578C>G on transcript NM_000186.4 (MANE Select); coding-DNA position 3578, C replaced by G.
Protein change: p.Thr1193Arg; replaces threonine 1193 with arginine.
Molecular consequence: missense variant.
Genome position (GRCh38, 1-based): chr1:196,747,195, C>G. VCF-style: chr1-196747195-C-G. GRCh37 (hg19) VCF-style: chr1-196716325-C-G.
Other names: short protein forms T1193R.
Identifiers: ClinVar variation 4291618 (VCV004291618.1).